The following is an entry in ClinVar:

ClinVar aggregate classification (germline): Uncertain significance (1 of 4 stars; one submission).

Submission:

Labcorp Genetics (formerly Invitae), Labcorp
Classification: Uncertain significance. Last evaluated: 2022-11-11. Review status: criteria provided, single submitter. Criteria: Invitae Variant Classification Sherloc (09022015). Collection method: clinical testing. Allele origin: germline.
Comment: In summary, the available evidence is currently insufficient to determine the role of this variant in disease. Therefore, it has been classified as a Variant of Uncertain Significance. This variant has not been reported in the literature in individuals affected with USH2A-related conditions. This variant results in a copy number gain of the genomic region encompassing exon(s) 64-72 of the USH2A gene. This region includes the termination codon of the gene. This copy number gain extends beyond the assayed region for this gene and therefore may encompass additional genes. As the precise location of this event is unknown, it may be in tandem or it may be located elsewhere in the genome.

NC_000001.10:g.(?_215799123)_(215844655_?)dup

Gene: USH2A (usherin; minus strand). Cytogenetic location: 1q41.
Variant type: Duplication.
Identifiers: ClinVar variation 2427757 (VCV002427757.4).